The following is an entry in ClinVar:

NM_001042492.3(NF1):c.4533C>T (p.Leu1511=)

Gene: NF1 (neurofibromin 1; plus strand). Cytogenetic location: 17q11.2.
Variant type: single nucleotide variant.
Coding change: c.4533C>T on transcript NM_001042492.3 (MANE Select); coding-DNA position 4533, C replaced by T.
Protein change: p.Leu1511=; no amino-acid change (leucine 1511 retained).
Molecular consequence: synonymous variant.
Genome position (GRCh38, 1-based): chr17:31,260,471, C>T. VCF-style: chr17-31260471-C-T. GRCh37 (hg19) VCF-style: chr17-29587489-C-T.
Other names: c.4470C>T, p.Leu1490= (NM_000267.4).
Identifiers: ClinVar variation 1740832 (VCV001740832.4), dbSNP rs1462064585, ClinGen allele CA499233722.

ClinVar aggregate classification (germline): Likely benign. Review status: criteria provided, single submitter (1 of 4 stars). 2 submissions from 2 submitters: Likely benign (1). 1 of the submissions does not count toward it. Last evaluated 2022-04-29.

Conditions:
Cardiovascular phenotype. Identifiers: MedGen CN230736.
Hereditary cancer-predisposing syndrome. Also called: Hereditary Cancer Syndrome; Hereditary neoplastic syndrome; Neoplastic Syndromes, Hereditary; Tumor predisposition. Identifiers: Orphanet 140162, MedGen C0027672, MeSH D009386, MONDO:0015356.
NF1-related disorder. Also called: NF1-related condition. Identifiers: MedGen CN379171.

Submissions (2):

Ambry Genetics
Classification: Likely benign for Cardiovascular phenotype; Hereditary cancer-predisposing syndrome. Last evaluated: 2022-04-29. Review status: criteria provided, single submitter. Criteria: Ambry Variant Classification Scheme 2023. Collection method: clinical testing. Allele origin: germline.

PreventionGenetics, part of Exact Sciences
Classification: Likely benign for NF1-related condition. Last evaluated: 2022-08-22. Review status: no assertion criteria provided. Collection method: clinical testing. Allele origin: germline. Not counted in ClinVar's aggregate classification.
Comment: This variant is classified as likely benign based on ACMG/AMP sequence variant interpretation guidelines (Richards et al. 2015 PMID: 25741868, with internal and published modifications).